The following is an entry in ClinVar:

NM_004998.4(MYO1E):c.1141G>T (p.Glu381Ter)

Gene: MYO1E (myosin IE; minus strand). Cytogenetic location: 15q22.2.
Variant type: single nucleotide variant.
Coding change: c.1141G>T on transcript NM_004998.4 (MANE Select); coding-DNA position 1141, G replaced by T.
Protein change: p.Glu381Ter; replaces glutamic acid 381 with a stop codon.
Molecular consequence: nonsense.
Genome position (GRCh38, 1-based): chr15:59,214,687, C>A on the plus strand (G>T on the coding strand, the complement: MYO1E is on the minus strand). VCF-style: chr15-59214687-C-A. GRCh37 (hg19) VCF-style: chr15-59506886-C-A.
Other names: short protein forms E381*.
Identifiers: ClinVar variation 2189935 (VCV002189935.4), dbSNP rs2542089584, ClinGen allele CA392650298.
Genomic context (GRCh38, chr15:59,214,687, plus strand): 5'-AAACTGGCCTTACCTGGAATATTTCAAAGCCATAGATGTCTAGGACGCCAATGTTGTATT[C>A]TTCATGGTCTTTCTCCATGGCTTTATTGATGGACTAGAGAAAGTAAACAGCATGGCAGTG-3'

ClinVar aggregate classification (germline): Pathogenic (1 of 4 stars; one submission).

Submission:

Labcorp Genetics (formerly Invitae), Labcorp
Classification: Pathogenic. Last evaluated: 2022-03-15. Review status: criteria provided, single submitter. Criteria: Invitae Variant Classification Sherloc (09022015). Collection method: clinical testing. Allele origin: germline.
Comment: For these reasons, this variant has been classified as Pathogenic. This variant has not been reported in the literature in individuals affected with MYO1E-related conditions. This variant is not present in population databases (gnomAD no frequency). This sequence change creates a premature translational stop signal (p.Glu381*) in the MYO1E gene. It is expected to result in an absent or disrupted protein product. Loss-of-function variants in MYO1E are known to be pathogenic (PMID: 21756023, 23595123, 25349199).

Literature cited by the submitters: PubMed 21756023; PubMed 23595123; PubMed 25349199.